The following is an entry in ClinVar:

ClinVar aggregate classification (germline): Uncertain significance (1 of 4 stars; one submission).

Conditions:
Nephronophthisis. Also called: Juvenile Nephronophthisis. Identifiers: Orphanet 655, MedGen C0687120, MONDO:0019005, HP:0000090.

gnomAD v4.1: 1 of 1,608,566 alleles (0.000062%); highest among the groups gnomAD compares: Non-Finnish European, 0.000085%; no homozygotes.

Submission:

Labcorp Genetics (formerly Invitae), Labcorp
Classification: Uncertain significance for Nephronophthisis. Last evaluated: 2021-12-14. Review status: criteria provided, single submitter. Criteria: Invitae Variant Classification Sherloc (09022015). Collection method: clinical testing. Allele origin: germline.
Comment: In summary, the available evidence is currently insufficient to determine the role of this variant in disease. Therefore, it has been classified as a Variant of Uncertain Significance. Algorithms developed to predict the effect of missense changes on protein structure and function output the following: SIFT: "Tolerated"; PolyPhen-2: "Benign"; Align-GVGD: "Class C0". The asparagine amino acid residue is found in multiple mammalian species, which suggests that this missense change does not adversely affect protein function. This variant has not been reported in the literature in individuals affected with NPHP4-related conditions. This variant is not present in population databases (gnomAD no frequency). This sequence change replaces lysine, which is basic and polar, with asparagine, which is neutral and polar, at codon 83 of the NPHP4 protein (p.Lys83Asn).

NM_015102.5(NPHP4):c.249G>C (p.Lys83Asn)

Gene: NPHP4 (nephrocystin 4; minus strand). Cytogenetic location: 1p36.31.
Variant type: single nucleotide variant.
Coding change: c.249G>C on transcript NM_015102.5 (MANE Select); coding-DNA position 249, G replaced by C.
Protein change: p.Lys83Asn; replaces lysine 83 with asparagine.
Molecular consequence: missense variant. On other transcripts: 5 prime UTR variant (1), non-coding transcript variant (1), intron variant (1).
Genome position (GRCh38, 1-based): chr1:5,978,300, C>G on the plus strand (G>C on the coding strand, the complement: NPHP4 is on the minus strand). VCF-style: chr1-5978300-C-G. GRCh37 (hg19) VCF-style: chr1-6038360-C-G.
Other names: c.-981G>C (NM_001291593.2); c.-1087-9041G>C (NM_001291594.2); short protein forms K83N.
Identifiers: ClinVar variation 2190566 (VCV002190566.4), dbSNP rs751779849, ClinGen allele CA338052912.
Genomic context (GRCh38, chr1:5,978,300, plus strand): 5'-GCAGCCCCTGCCACCATCACCAGGGCCCACCTCATTAAAGACGATCCTGGACGGCGGTCT[C>G]TTCGTCGGCTTCACTGTGGTTTTCCACGTCCTCCCAAAGAAGTGCCGGTAGGTGACATCA-3'
Protein context (NP_055917.1, residues 73-93): RTWKTTVKPT[Lys83Asn]RPPSRIVFNE